The following is an entry in ClinVar:

ClinVar aggregate classification (germline): Pathogenic (1 of 4 stars; one submission).

Conditions:
Familial hypobetalipoproteinemia 1. Also called: Hypobetalipoproteinemia, normotriglyceridemic; Acanthocytosis with hypobetalipoproteinemia; APOB-Related Familial Hypobetalipoproteinemia. Identifiers: MedGen C4551990, MONDO:0014252, OMIM 615558.
Hypercholesterolemia, autosomal dominant, type B (FHCL2). Also called: Familial hypercholesterolemia 2; APOB-Related Familial Hypercholesterolemia, Autosomal Dominant; Familial Hypercholesterolemia Type B; APOLIPOPROTEIN B-100, FAMILIAL DEFECTIVE; APOLIPOPROTEIN B-100, FAMILIAL LIGAND-DEFECTIVE; HYPERCHOLESTEROLEMIA, FAMILIAL, DUE TO LIGAND-DEFECTIVE APOLIPOPROTEIN B. Identifiers: MedGen C1704417, MONDO:0007751, OMIM 144010.

Submission:

Labcorp Genetics (formerly Invitae), Labcorp
Classification: Pathogenic for Familial hypobetalipoproteinemia 1; Hypercholesterolemia, autosomal dominant, type B. Last evaluated: 2020-03-22. Review status: criteria provided, single submitter. Criteria: Invitae Variant Classification Sherloc (09022015). Collection method: clinical testing. Allele origin: germline.
Comment: For these reasons, this variant has been classified as Pathogenic. Loss-of-function variants in APOB are known to be pathogenic (PMID: 20032471). This variant has not been reported in the literature in individuals with APOB-related conditions. This sequence change creates a premature translational stop signal (p.Asp3205Glufs*12) in the APOB gene. It is expected to result in an absent or disrupted protein product. This variant is not present in population databases (ExAC no frequency).

Literature cited by the submitters: PubMed 20032471.

NM_000384.3(APOB):c.9615del (p.Asp3205fs)

Gene: APOB (apolipoprotein B; minus strand). Cytogenetic location: 2p24.1.
Variant type: Deletion.
Coding change: c.9615del on transcript NM_000384.3 (MANE Select); coding-DNA position 9615, one base deleted (C; older notation c.9615delC).
Protein change: p.Asp3205fs; shifts the reading frame from aspartic acid 3205.
Molecular consequence: frameshift variant.
Genome position (GRCh38, 1-based): chr2:21,007,253, G deleted on the plus strand (C on the coding strand, the reverse complement: APOB is on the minus strand). VCF-style (leftmost placement, unchanged base first): chr2-21007252-TG-T. GRCh37 (hg19) VCF-style: chr2-21230124-TG-T.
Other names: short protein forms D3205fs.
Identifiers: ClinVar variation 1068824 (VCV001068824.9), dbSNP rs2103352794, ClinGen allele CA2499215581.